The following is an entry in ClinVar:

NM_001110556.2(FLNA):c.108GGA[1] (p.Glu37del)

Gene: FLNA (filamin A; minus strand). Cytogenetic location: Xq28.
Variant type: Microsatellite.
Coding change: c.108GGA[1] on transcript NM_001110556.2 (MANE Select); one copy of the 3-base unit GGA starting at c.108; the reference has two copies in a row; one copy, 3 bases deleted.
Protein change: p.Glu37del; deletes glutamic acid 37.
Molecular consequence: inframe deletion.
Genome position (GRCh38, 1-based): chrX:154,371,133-154,371,135, TCC deleted on the plus strand (GGA on the coding strand, the reverse complement: FLNA is on the minus strand); deleting any 3 consecutive bases within chrX:154,371,133-154,371,138 gives the same sequence; the position shown is the placement nearest the transcript's 3' end. VCF-style (leftmost placement, unchanged base first): chrX-154371132-GTCC-G. GRCh37 (hg19) VCF-style: chrX-153599500-GTCC-G.
Other names: c.111_113del (NM_001456.3); c.108GGA[1], p.Glu37del (NM_001456.4); short protein forms E37del.
Identifiers: ClinVar variation 849335 (VCV000849335.10), dbSNP rs2067803106, ClinGen allele CA916082509.

ClinVar aggregate classification (germline): Uncertain significance (1 of 4 stars; one submission).

Conditions:
Frontometaphyseal dysplasia (FMD1). Identifiers: Orphanet 1826, MedGen C0265293, MONDO:0015942.
Oto-palato-digital syndrome, type II (OPD2). Also called: FACIOPALATOOSSEOUS SYNDROME; OPD II SYNDROME; Otopalatodigital Syndrome, Type II; Otopalatodigital Syndrome Type 2 (FLNA-OPD2). Identifiers: Orphanet 669, Orphanet 90652, MedGen C1844696, MONDO:0010571, OMIM 304120.
Heterotopia, periventricular, X-linked dominant (PVNH1). Also called: PERIVENTRICULAR NODULAR HETEROTOPIA 1; X-linked periventricular heterotopia; PERIVENTRICULAR NODULAR HETEROTOPIA 4; HETEROTOPIA, PERIVENTRICULAR, 1. Identifiers: Orphanet 2149, Orphanet 82004, MedGen C1848213, MONDO:0010233, OMIM 300049.
Melnick-Needles syndrome (MNS). Also called: MELNICK-NEEDLES OSTEODYSPLASTY; OSTEODYSPLASTY OF MELNICK AND NEEDLES; Melnick-Needles Syndrome (FLNA-MNS). Identifiers: Orphanet 2484, MedGen C0025237, MONDO:0010650, OMIM 309350.

Submission:

Labcorp Genetics (formerly Invitae), Labcorp
Classification: Uncertain significance for Oto-palato-digital syndrome, type II; Heterotopia, periventricular, X-linked dominant; Frontometaphyseal dysplasia; Melnick-Needles syndrome. Last evaluated: 2022-08-10. Review status: criteria provided, single submitter. Criteria: Invitae Variant Classification Sherloc (09022015). Collection method: clinical testing. Allele origin: germline.
Comment: In summary, the available evidence is currently insufficient to determine the role of this variant in disease. Therefore, it has been classified as a Variant of Uncertain Significance. Experimental studies and prediction algorithms are not available or were not evaluated, and the functional significance of this variant is currently unknown. ClinVar contains an entry for this variant (Variation ID: 849335). This variant has not been reported in the literature in individuals affected with FLNA-related conditions. This variant is not present in population databases (gnomAD no frequency). This variant, c.111_113del, results in the deletion of 1 amino acid(s) of the FLNA protein (p.Glu37del), but otherwise preserves the integrity of the reading frame.